The following is an entry in ClinVar:

NM_020070.4(IGLL1):c.284C>A (p.Thr95Lys)

Gene: IGLL1 (immunoglobulin lambda like polypeptide 1; minus strand). Cytogenetic location: 22q11.23.
Variant type: single nucleotide variant.
Coding change: c.284C>A on transcript NM_020070.4 (MANE Select); coding-DNA position 284, C replaced by A.
Protein change: p.Thr95Lys; replaces threonine 95 with lysine.
Molecular consequence: missense variant. On other transcripts: intron variant (1).
Genome position (GRCh38, 1-based): chr22:23,575,005, G>T on the plus strand (C>A on the coding strand, the complement: IGLL1 is on the minus strand). VCF-style: chr22-23575005-G-T. GRCh37 (hg19) VCF-style: chr22-23917192-G-T.
Other names: c.287C>A, p.Thr96Lys (NM_001369906.1); c.207-1420C>A (NM_152855.3); short protein forms T95K, T96K.
Identifiers: ClinVar variation 471476 (VCV000471476.25), dbSNP rs116041505, ClinGen allele CA10143352.

ClinVar aggregate classification (germline): Benign/Likely benign. Review status: criteria provided, multiple submitters, no conflicts (2 of 4 stars). 7 submissions from 7 submitters: Benign (4); Likely benign (1). 2 of the submissions do not count toward it. Last evaluated 2026-02-01.

Conditions:
Agammaglobulinemia 2, autosomal recessive (AGM2). Also called: AGAMMAGLOBULINEMIA, AUTOSOMAL RECESSIVE, DUE TO IGLL1 DEFECT. Identifiers: MedGen C3150750, MONDO:0013287, OMIM 613500.

Allele frequency attached by ClinVar (database versions not stated): ESP Exome Variant Server 0.02053; TOPMed 0.02703; 1000 Genomes Project 30x 0.03232; 1000 Genomes Project 0.03235.
gnomAD v4.1: 21,919 of 1,610,198 alleles (1.4%); highest among the groups gnomAD compares: African/African-American, 5.9%; 306 homozygotes.

Submissions (7):

Labcorp Genetics (formerly Invitae), Labcorp
Classification: Benign for Agammaglobulinemia 2, autosomal recessive. Last evaluated: 2026-02-01. Review status: criteria provided, single submitter. Criteria: Invitae Variant Classification Sherloc (09022015). Collection method: clinical testing. Allele origin: germline.

Women's Health and Genetics/Laboratory Corporation of America, LabCorp
Classification: Likely benign. Last evaluated: 2026-01-22. Review status: criteria provided, single submitter. Criteria: LabCorp Variant Classification Summary - May 2015. Collection method: clinical testing. Allele origin: germline.

ARUP Laboratories, Molecular Genetics and Genomics, ARUP Laboratories
Classification: Benign for Agammaglobulinemia 2, autosomal recessive. Last evaluated: 2025-07-08. Review status: criteria provided, single submitter. Criteria: ARUP Molecular Germline Variant Investigation Process 2024. Collection method: clinical testing. Allele origin: germline.

GeneDx
Classification: Benign. Last evaluated: 2018-07-13. Review status: criteria provided, single submitter. Criteria: GeneDx Variant Classification Process June 2021. Collection method: clinical testing. Allele origin: germline. Affected: yes.
Comment: This variant is associated with the following publications: (PMID: 25363768)

Breakthrough Genomics
Classification: Benign. Review status: criteria provided, single submitter. Criteria: ACMG Guidelines, 2015. Collection method: not provided. Allele origin: germline. Inheritance: Autosomal recessive inheritance. Affected: yes.

Genome Diagnostics Laboratory, University Medical Center Utrecht
Classification: Benign. Review status: no assertion criteria provided. Collection method: clinical testing. Allele origin: germline. Affected: yes. Study: VKGL Data-share Consensus. Not counted in ClinVar's aggregate classification.

Laboratory of Diagnostic Genome Analysis, Leiden University Medical Center (LUMC)
Classification: Likely benign. Review status: no assertion criteria provided. Collection method: clinical testing. Allele origin: germline. Affected: yes. Study: VKGL Data-share Consensus. Not counted in ClinVar's aggregate classification.